The following is an entry in ClinVar:

ClinVar aggregate classification (germline): Pathogenic/Likely pathogenic. Review status: criteria provided, multiple submitters, no conflicts (2 of 4 stars). 2 submissions from 2 submitters: Pathogenic (1); Likely pathogenic (1). Last evaluated 2026-09-01.

Conditions:
Asphyxiating thoracic dystrophy 3. Also called: SHORT-RIB THORACIC DYSPLASIA 3 WITH OR WITHOUT POLYDACTYLY; POLYDACTYLY WITH NEONATAL CHONDRODYSTROPHY, TYPE I; SHORT-RIB THORACIC DYSPLASIA 3/6 WITH POLYDACTYLY, DIGENIC; Short rib polydactyly syndrome 2B; Saldino-Noonan Syndrome. Identifiers: Orphanet 474, Orphanet 93269, Orphanet 93270, Orphanet 93271, MedGen C0036069, MONDO:0013127, OMIM 613091.

Submissions (2):

Myriad Genetics, Inc.
Classification: Pathogenic for Asphyxiating thoracic dystrophy 3. Last evaluated: 2026-09-01. Review status: criteria provided, single submitter. Criteria: Myriad Autosomal Dominant, Autosomal Recessive and X-Linked Classification Criteria (2023). Collection method: clinical testing. Allele origin: unknown.
Comment: NM_001377.2(DYNC2H1):c.5165delA(K1722Sfs*11) is a frameshift variant classified as pathogenic in the context of DYNC2H1-related disorders. K1722Sfs*11 has not been observed in cases with relevant disease. Relevant functional assessments of this variant are not available in the literature. K1722Sfs*11 has not been observed in referenced population frequency databases. In summary, NM_001377.2(DYNC2H1):c.5165delA(K1722Sfs*11) is a frameshift variant in a gene where loss of function is a known mechanism of disease and is predicted to disrupt protein function. Please note: this variant was assessed in the context of healthy population screening.

Fulgent Genetics
Classification: Likely pathogenic for Asphyxiating thoracic dystrophy 3. Last evaluated: 2024-06-12. Review status: criteria provided, single submitter. Criteria: ACMG Guidelines, 2015. Collection method: clinical testing. Allele origin: germline.

NM_001377.3(DYNC2H1):c.5165del (p.Lys1722fs)

Gene: DYNC2H1 (dynein cytoplasmic 2 heavy chain 1; plus strand). Cytogenetic location: 11q22.3.
Variant type: Deletion.
Coding change: c.5165del on transcript NM_001377.3 (MANE Select); coding-DNA position 5165, one base deleted (A; older notation c.5165delA).
Protein change: p.Lys1722fs; shifts the reading frame from lysine 1722.
Molecular consequence: frameshift variant.
Genome position (GRCh38, 1-based): chr11:103,170,899, A deleted; the last of 2 consecutive A bases (chr11:103,170,898-103,170,899); deleting either gives the same sequence. VCF-style (leftmost placement, unchanged base first): chr11-103170897-GA-G. GRCh37 (hg19) VCF-style: chr11-103041626-GA-G.
Other names: c.5165del, p.Lys1722fs (NM_001080463.2); short protein forms K1722fs.
Identifiers: ClinVar variation 3598880 (VCV003598880.2).
Genomic context (GRCh38, chr11:103,170,897, plus strand): 5'-AGATTTTGATTATTTTTTAATGACTATAATTTTTATTGTTGTTTTTAAGGGCATCGATGT[GA>G]AGTCAATGGGACGAATATTTGTTGGTTTGGTGAAGTGTGGGGCCTGGGGTTGTTTTGATG-3'